The following is an entry in ClinVar:

NM_006269.2(RP1):c.4718C>T (p.Ser1573Leu)

Gene: RP1 (RP1 axonemal microtubule associated; plus strand). Cytogenetic location: 8q12.1.
Variant type: single nucleotide variant.
Coding change: c.4718C>T on transcript NM_006269.2 (MANE Select); coding-DNA position 4718, C replaced by T.
Protein change: p.Ser1573Leu; replaces serine 1573 with leucine.
Molecular consequence: missense variant. On other transcripts: intron variant (1).
Genome position (GRCh38, 1-based): chr8:54,628,600, C>T. VCF-style: chr8-54628600-C-T. GRCh37 (hg19) VCF-style: chr8-55541160-C-T.
Other names: c.4718C>T (NM_006269.1); c.787+6312C>T (NM_001375654.1); short protein forms S1573L.
Identifiers: ClinVar variation 3621485 (VCV003621485.3).
Genomic context (GRCh38, chr8:54,628,600, plus strand): 5'-ATGAAGGAGAAACTAAGATGGTAAAAATGATGGTGAAAACTATGGAAACTGGAAGTTATT[C>T]AGAGTCCTCTCCTGATTTAAAAAAATGCATCAAAAGTCCAGTGACTTCTGATTGGTCAGA-3'
Protein context (NP_006260.1, residues 1563-1583): MVKTMETGSY[Ser1573Leu]ESSPDLKKCI

ClinVar aggregate classification (germline): Uncertain significance. Review status: criteria provided, multiple submitters, no conflicts (2 of 4 stars). 2 submissions from 2 submitters: Uncertain significance (2). Last evaluated 2025-08-10.

Conditions:
Inborn genetic diseases. Identifiers: MedGen C0950123, MeSH D030342.

gnomAD v4.1: 12 of 1,613,974 alleles (0.00074%); highest among the groups gnomAD compares: Non-Finnish European, 0.001%; no homozygotes.

Submissions (2):

Ambry Genetics
Classification: Uncertain significance for Inborn genetic diseases. Last evaluated: 2025-08-10. Review status: criteria provided, single submitter. Criteria: Ambry Variant Classification Scheme 2023. Collection method: clinical testing. Allele origin: germline.

Labcorp Genetics (formerly Invitae), Labcorp
Classification: Uncertain significance. Last evaluated: 2024-12-24. Review status: criteria provided, single submitter. Criteria: Invitae Variant Classification Sherloc (09022015). Collection method: clinical testing. Allele origin: germline.
Comment: This sequence change replaces serine, which is neutral and polar, with leucine, which is neutral and non-polar, at codon 1573 of the RP1 protein (p.Ser1573Leu). This variant is present in population databases (rs764162654, gnomAD 0.0009%). This variant has not been reported in the literature in individuals affected with RP1-related conditions. An algorithm developed to predict the effect of missense changes on protein structure and function (PolyPhen-2) suggests that this variant is likely to be disruptive. In summary, the available evidence is currently insufficient to determine the role of this variant in disease. Therefore, it has been classified as a Variant of Uncertain Significance.